The following is an entry in ClinVar:

ClinVar aggregate classification (germline): Likely benign (1 of 4 stars; one submission).

Conditions:
TECTA-related disorder. Also called: TECTA-related condition.

gnomAD v4.1: 36 of 1,610,910 alleles (0.0022%); highest among the groups gnomAD compares: East Asian, 0.069%; no homozygotes.

Submission:

PreventionGenetics, part of Exact Sciences
Classification: Likely benign for TECTA-related condition. Last evaluated: 2025-10-29. Review status: criteria provided, single submitter. Criteria: ACMG Guidelines, 2015. Collection method: clinical testing. Allele origin: germline.
Comment: This variant is classified as likely benign based on ACMG/AMP sequence variant interpretation guidelines (Richards et al. 2015 PMID: 25741868, with internal and published modifications).

NM_005422.4(TECTA):c.2187C>T (p.Tyr729=)

Genes: TBCEL-TECTA (TBCEL-TECTA readthrough; plus strand), TECTA (tectorin alpha; plus strand). Cytogenetic location: 11q23.3.
Variant type: single nucleotide variant.
Coding change: c.2187C>T on transcript NM_005422.4 (MANE Select); coding-DNA position 2187, C replaced by T.
Protein change: p.Tyr729=; no amino-acid change (tyrosine 729 retained).
Molecular consequence: synonymous variant.
Genome position (GRCh38, 1-based): chr11:121,128,164, C>T. VCF-style: chr11-121128164-C-T. GRCh37 (hg19) VCF-style: chr11-120998873-C-T.
Other names: c.3144C>T, p.Tyr1048= (NM_001378761.1).
Identifiers: ClinVar variation 4988953 (VCV004988953.1).